The following is an entry in ClinVar:

NM_001350162.2(TEX15):c.3164T>C (p.Ile1055Thr)

Gene: TEX15 (testis expressed 15, meiosis and synapsis associated; minus strand). Cytogenetic location: 8p12.
Variant type: single nucleotide variant.
Coding change: c.3164T>C on transcript NM_001350162.2 (MANE Select); coding-DNA position 3164, T replaced by C.
Protein change: p.Ile1055Thr; replaces isoleucine 1055 with threonine.
Molecular consequence: missense variant.
Genome position (GRCh38, 1-based): chr8:30,847,003, A>G on the plus strand (T>C on the coding strand, the complement: TEX15 is on the minus strand). VCF-style: chr8-30847003-A-G. GRCh37 (hg19) VCF-style: chr8-30704519-A-G.
Other names: c.2015T>C, p.Ile672Thr (NM_031271.3); short protein forms I1055T, I672T.
Identifiers: ClinVar variation 3036434 (VCV003036434.2), dbSNP rs147781759, ClinGen allele CA4703295.

ClinVar aggregate classification (germline): Likely benign (0 of 4 stars; one submission).

Conditions:
TEX15-related disorder. Also called: TEX15-related condition.

Allele frequency attached by ClinVar (database versions not stated): gnomAD exomes 0.00011; ExAC 0.00027; gnomAD 0.00076; 1000 Genomes Project 0.00100; 1000 Genomes Project 30x 0.00109; TOPMed 0.00114; ESP Exome Variant Server 0.00115.
gnomAD v4.1: 280 of 1,613,470 alleles (0.017%); highest among the groups gnomAD compares: African/African-American, 0.25%; no homozygotes.

Submission:

PreventionGenetics, part of Exact Sciences
Classification: Likely benign for TEX15-related condition. Last evaluated: 2022-02-08. Review status: no assertion criteria provided. Collection method: clinical testing. Allele origin: germline.
Comment: This variant is classified as likely benign based on ACMG/AMP sequence variant interpretation guidelines (Richards et al. 2015 PMID: 25741868, with internal and published modifications).